The following is an entry in ClinVar:

NM_001142800.2(EYS):c.4150T>A (p.Phe1384Ile)

Gene: EYS (EGF-like photoreceptor maintenance factor; minus strand). Cytogenetic location: 6q12.
Variant type: single nucleotide variant.
Coding change: c.4150T>A on transcript NM_001142800.2 (MANE Select); coding-DNA position 4150, T replaced by A.
Protein change: p.Phe1384Ile; replaces phenylalanine 1384 with isoleucine.
Molecular consequence: missense variant.
Genome position (GRCh38, 1-based): chr6:64,591,717, A>T on the plus strand (T>A on the coding strand, the complement: EYS is on the minus strand). VCF-style: chr6-64591717-A-T. GRCh37 (hg19) VCF-style: chr6-65301610-A-T.
Other names: c.4150T>A, p.Phe1384Ile (NM_001292009.2); c.4150T>A (NM_001142800.1); short protein forms F1384I.
Identifiers: ClinVar variation 1914726 (VCV001914726.6), dbSNP rs1341862225, ClinGen allele CA364783945.

ClinVar aggregate classification (germline): Uncertain significance. Review status: criteria provided, multiple submitters, no conflicts (2 of 4 stars). 3 submissions from 3 submitters: Uncertain significance (3). Last evaluated 2025-06-03.

Conditions:
Inborn genetic diseases. Identifiers: MedGen C0950123, MeSH D030342.

Allele frequency attached by ClinVar (database versions not stated): gnomAD exomes below 0.00001; TOPMed 0.00002.
gnomAD v4.1: 5 of 1,551,258 alleles (0.00032%); highest among the groups gnomAD compares: African/African-American, 0.0055%; no homozygotes.

Submissions (3):

Ambry Genetics
Classification: Uncertain significance for Inborn genetic diseases. Last evaluated: 2025-06-03. Review status: criteria provided, single submitter. Criteria: Ambry Variant Classification Scheme 2023. Collection method: clinical testing. Allele origin: germline.

Labcorp Genetics (formerly Invitae), Labcorp
Classification: Uncertain significance. Last evaluated: 2024-11-11. Review status: criteria provided, single submitter. Criteria: Invitae Variant Classification Sherloc (09022015). Collection method: clinical testing. Allele origin: germline.
Comment: This sequence change replaces phenylalanine, which is neutral and non-polar, with isoleucine, which is neutral and non-polar, at codon 1384 of the EYS protein (p.Phe1384Ile). This variant is not present in population databases (gnomAD no frequency). This variant has not been reported in the literature in individuals affected with EYS-related conditions. ClinVar contains an entry for this variant (Variation ID: 1914726). Invitae Evidence Modeling of protein sequence and biophysical properties (such as structural, functional, and spatial information, amino acid conservation, physicochemical variation, residue mobility, and thermodynamic stability) has been performed for this missense variant. However, the output from this modeling did not meet the statistical confidence thresholds required to predict the impact of this variant on EYS protein function. In summary, the available evidence is currently insufficient to determine the role of this variant in disease. Therefore, it has been classified as a Variant of Uncertain Significance.

Blueprint Genetics
Classification: Uncertain significance. Last evaluated: 2024-05-29. Review status: criteria provided, single submitter. Criteria: ACMG Guidelines, 2015. Collection method: clinical testing. Allele origin: germline.